The following is an entry in ClinVar:

NM_014727.3(KMT2B):c.6378T>A (p.Asp2126Glu)

Gene: KMT2B (lysine methyltransferase 2B; plus strand). Cytogenetic location: 19q13.12.
Variant type: single nucleotide variant.
Coding change: c.6378T>A on transcript NM_014727.3 (MANE Select); coding-DNA position 6378, T replaced by A.
Protein change: p.Asp2126Glu; replaces aspartic acid 2126 with glutamic acid.
Molecular consequence: missense variant.
Genome position (GRCh38, 1-based): chr19:35,732,927, T>A. VCF-style: chr19-35732927-T-A. GRCh37 (hg19) VCF-style: chr19-36223828-T-A.
Other names: short protein forms D2126E.
Identifiers: ClinVar variation 2010317 (VCV002010317.4), dbSNP rs2513353200, ClinGen allele CA405428135.

ClinVar aggregate classification (germline): Uncertain significance (1 of 4 stars; one submission).

Submission:

Labcorp Genetics (formerly Invitae), Labcorp
Classification: Uncertain significance. Last evaluated: 2022-06-24. Review status: criteria provided, single submitter. Criteria: Invitae Variant Classification Sherloc (09022015). Collection method: clinical testing. Allele origin: germline.
Comment: In summary, the available evidence is currently insufficient to determine the role of this variant in disease. Therefore, it has been classified as a Variant of Uncertain Significance. Algorithms developed to predict the effect of missense changes on protein structure and function output the following: SIFT: "Tolerated"; PolyPhen-2: "Not Available"; Align-GVGD: "Class C0". The glutamic acid amino acid residue is found in multiple mammalian species, which suggests that this missense change does not adversely affect protein function. This variant has not been reported in the literature in individuals affected with KMT2B-related conditions. This variant is not present in population databases (gnomAD no frequency). This sequence change replaces aspartic acid, which is acidic and polar, with glutamic acid, which is acidic and polar, at codon 2126 of the KMT2B protein (p.Asp2126Glu).